The following is an entry in ClinVar:

ClinVar aggregate classification (germline): Uncertain significance. Review status: criteria provided, multiple submitters, no conflicts (2 of 4 stars). 4 submissions from 4 submitters: Uncertain significance (4). Last evaluated 2026-04-23.

Conditions:
Autosomal recessive ataxia, Beauce type. Also called: Spinocerebellar ataxia, autosomal recessive 8; SYNE1-Related Autosomal Recessive Cerebellar Ataxia; SYNE1 Deficiency; ATAXIA, RECESSIVE, OF BEAUCE. Identifiers: Orphanet 88644, MedGen C1853116, MONDO:0012549, OMIM 610743.
Emery-Dreifuss muscular dystrophy 4, autosomal dominant (EDMD4). Also called: EMERY-DREIFUSS MUSCULAR DYSTROPHY 4 WITH VARIABLE FEATURES. Identifiers: Orphanet 261, MedGen C2751807, MONDO:0013071, OMIM 612998.

Allele frequency attached by ClinVar (database versions not stated): TOPMed below 0.00001; gnomAD 0.00001; gnomAD exomes 0.00001; ExAC 0.00002.
gnomAD v4.1: 23 of 1,614,126 alleles (0.0014%); highest among the groups gnomAD compares: Non-Finnish European, 0.0018%; no homozygotes.

Submissions (4):

GeneDx
Classification: Uncertain significance. Last evaluated: 2026-04-23. Review status: criteria provided, single submitter. Criteria: GeneDx Variant Classification Process June 2021. Collection method: clinical testing. Allele origin: germline.
Comment: Not observed at significant frequency in large population cohorts (gnomAD); In silico analysis suggests that this missense variant does not alter protein structure/function; Has not been previously published as pathogenic or benign to our knowledge

Blueprint Genetics
Classification: Uncertain significance. Last evaluated: 2024-09-04. Review status: criteria provided, single submitter. Criteria: ACMG Guidelines, 2015. Collection method: clinical testing. Allele origin: germline.

Women's Health and Genetics/Laboratory Corporation of America, LabCorp
Classification: Uncertain significance. Last evaluated: 2024-08-27. Review status: criteria provided, single submitter. Criteria: LabCorp Variant Classification Summary - May 2015. Collection method: clinical testing. Allele origin: germline.
Comment: Variant summary: SYNE1 c.12688A>G (p.Lys4230Glu) results in a conservative amino acid change in the encoded protein sequence. Three of five in-silico tools predict a damaging effect of the variant on protein function. The variant allele was found at a frequency of 1.2e-05 in 251430 control chromosomes. The available data on variant occurrences in the general population are insufficient to allow any conclusion about variant significance. To our knowledge, no occurrence of c.12688A>G in individuals affected with SYNE1-Related Disorders and no experimental evidence demonstrating its impact on protein function have been reported. ClinVar contains an entry for this variant (Variation ID: 580974). Based on the evidence outlined above, the variant was classified as uncertain significance.

Labcorp Genetics (formerly Invitae), Labcorp
Classification: Uncertain significance for Emery-Dreifuss muscular dystrophy 4, autosomal dominant; Autosomal recessive ataxia, Beauce type. Last evaluated: 2022-07-14. Review status: criteria provided, single submitter. Criteria: Invitae Variant Classification Sherloc (09022015). Collection method: clinical testing. Allele origin: germline.
Comment: This sequence change replaces lysine, which is basic and polar, with glutamic acid, which is acidic and polar, at codon 4230 of the SYNE1 protein (p.Lys4230Glu). This variant is present in population databases (rs751661906, gnomAD 0.003%). This variant has not been reported in the literature in individuals affected with SYNE1-related conditions. ClinVar contains an entry for this variant (Variation ID: 580974). Algorithms developed to predict the effect of missense changes on protein structure and function (SIFT, PolyPhen-2, Align-GVGD) all suggest that this variant is likely to be disruptive. In summary, the available evidence is currently insufficient to determine the role of this variant in disease. Therefore, it has been classified as a Variant of Uncertain Significance.

NM_182961.4(SYNE1):c.12901A>G (p.Lys4301Glu)

Gene: SYNE1 (spectrin repeat containing nuclear envelope protein 1; minus strand). Cytogenetic location: 6q25.2.
Variant type: single nucleotide variant.
Coding change: c.12901A>G on transcript NM_182961.4 (MANE Select); coding-DNA position 12901, A replaced by G.
Protein change: p.Lys4301Glu; replaces lysine 4301 with glutamic acid.
Molecular consequence: missense variant.
Genome position (GRCh38, 1-based): chr6:152,331,784, T>C on the plus strand (A>G on the coding strand, the complement: SYNE1 is on the minus strand). VCF-style: chr6-152331784-T-C. GRCh37 (hg19) VCF-style: chr6-152652919-T-C.
Other names: c.12688A>G, p.Lys4230Glu (NM_033071.5); short protein forms K4230E, K4301E.
Identifiers: ClinVar variation 580974 (VCV000580974.10), dbSNP rs751661906, ClinGen allele CA4056294.
Genomic context (GRCh38, chr6:152,331,784, plus strand): 5'-AATGACTCGTCTGTTCTTTGACTAACTCCTTGTCATCTAAATTCAGATGCTCTATCATTT[T>C]CTGCTTTTGATCTTTCAGATCTTCAATAGCATACTTTCTCTCCTGCAATGCCAATGCTAA-3'
Protein context (NP_892006.3, residues 4291-4311): AIEDLKDQKQ[Lys4301Glu]MIEHLNLDDK